The following is an entry in ClinVar:

NM_000021.4(PSEN1):c.617G>C (p.Gly206Ala)

Gene: PSEN1 (presenilin 1; plus strand). Cytogenetic location: 14q24.2.
Variant type: single nucleotide variant.
Coding change: c.617G>C on transcript NM_000021.4 (MANE Select); coding-DNA position 617, G replaced by C.
Protein change: p.Gly206Ala; replaces glycine 206 with alanine.
Molecular consequence: missense variant.
Genome position (GRCh38, 1-based): chr14:73,192,712, G>C. VCF-style: chr14-73192712-G-C. GRCh37 (hg19) VCF-style: chr14-73659420-G-C.
Other names: c.605G>C, p.Gly202Ala (NM_007318.3); short protein forms G206A, G202A.
Identifiers: ClinVar variation 18143 (VCV000018143.35), dbSNP rs63750082, ClinGen allele CA258122.
Genomic context (GRCh38, chr14:73,192,712, plus strand): 5'-TTAAAACCTATAACGTTGCTGTGGACTACATTACTGTTGCACTCCTGATCTGGAATTTTG[G>C]TGTGGTGGGAATGATTTCCATTCACTGGAAAGGTCCACTTCGACTCCAGCAGGCATATCT-3'
Protein context (NP_000012.1, residues 196-216): ITVALLIWNF[Gly206Ala]VVGMISIHWK

ClinVar aggregate classification (germline): Pathogenic. Review status: criteria provided, multiple submitters, no conflicts (2 of 4 stars). 12 submissions from 12 submitters: Pathogenic (11). 1 of the submissions does not count toward it. Last evaluated 2026-06-24.

Conditions:
PSEN1-related disorder. Also called: PSEN1-related condition.
Autosomal dominant PSEN1-related disorders.
Frontotemporal dementia (FTD1). Also called: FRONTOTEMPORAL LOBAR DEGENERATION WITH TAU INCLUSIONS; FTLD WITH TAU INCLUSIONS; Frontotemporal lobe dementia (FLDEM); Frontotemporal Dementia with Parkinsonism-17 (FTDP-17); MULTIPLE SYSTEM TAUOPATHY WITH PRESENILE DEMENTIA; Dementia, frontotemporal, with or without parkinsonism. Identifiers: Orphanet 282, MedGen C0338451, MONDO:0017276, OMIM 600274, HP:0002145.
Pick disease. Also called: DEMENTIA WITH LOBAR ATROPHY AND NEURONAL CYTOPLASMIC INCLUSIONS; PICK DISEASE OF BRAIN; Pick's disease; LOBAR ATROPHY OF BRAIN; Pick Disease of the Brain. Identifiers: Orphanet 282, MedGen C0236642, MONDO:0008243, OMIM 172700.
Acne inversa, familial, 3 (ACNINV3). Identifiers: MedGen C3151038, MONDO:0013398, OMIM 613737.
Alzheimer disease 3 (AD3). Also called: ALZHEIMER DISEASE, FAMILIAL, 3. Identifiers: Orphanet 1020, MedGen C1843013, MONDO:0011913, OMIM 607822.
Dilated cardiomyopathy 1U. Identifiers: Orphanet 154, MedGen C3160720, MONDO:0013371, OMIM 613694.

Allele frequency attached by ClinVar (database versions not stated): ExAC 0.00001; gnomAD exomes 0.00001; gnomAD 0.00012 and 0.00013; 1000 Genomes Project 30x 0.00016; 1000 Genomes Project 0.00020; TOPMed 0.00029.
gnomAD v4.1: 28 of 1,614,032 alleles (0.0017%); highest among the groups gnomAD compares: Admixed American, 0.042%; no homozygotes.

Submissions 1 to 7 of 12:

PreventionGenetics, part of Exact Sciences
Classification: Pathogenic for PSEN1-related condition. Last evaluated: 2026-06-24. Review status: criteria provided, single submitter. Criteria: ACMG Guidelines, 2015. Collection method: clinical testing. Allele origin: germline.
Comment: The PSEN1 c.617G>C variant is predicted to result in the amino acid substitution p.Gly206Ala. This variant has been previously documented to be causative for familial Alzheimer disease. It was reported to be a common cause of dementia in Hispanics in Puerto Rico and early-onset Alzheimer disease in Hispanics in Florida (Arnold et al. 2013. PubMed ID: 23114514; Ravenscroft et al. 2016. PubMed ID: 27073747). This variant is reported in 0.0056% of alleles in individuals of Latino descent in gnomAD, and has been consistently classified as pathogenic in ClinVar (Variation ID: 18143). This variant is interpreted as pathogenic.

Labcorp Genetics (formerly Invitae), Labcorp
Classification: Pathogenic for Alzheimer disease 3; Pick disease; Acne inversa, familial, 3; Frontotemporal dementia. Last evaluated: 2026-01-26. Review status: criteria provided, single submitter. Criteria: Invitae Variant Classification Sherloc (09022015). Collection method: clinical testing. Allele origin: germline.
Comment: This sequence change replaces glycine, which is neutral and non-polar, with alanine, which is neutral and non-polar, at codon 206 of the PSEN1 protein (p.Gly206Ala). This variant is present in population databases (rs63750082, gnomAD 0.003%). This missense change has been observed in individual(s) with early and late onset Alzheimer disease and Alzheimer disease (PMID: 11524469, 11710891, 18797263, 22312439, 23114514, 25333068, 27073747). It is commonly reported in individuals of Caribbean ancestry (PMID: 11524469, 11710891, 18797263, 22312439, 23114514, 25333068, 27073747). Invitae Evidence Modeling of clinical and family history, age, sex, and reported ancestry of multiple individuals with this PSEN1 variant has been performed. This variant is expected to be pathogenic with a positive predictive value of at least 99%. This is a validated machine learning model that incorporates the clinical features of 21,034 individuals referred to our laboratory for PSEN1 testing. ClinVar contains an entry for this variant (Variation ID: 18143). Invitae Evidence Modeling of protein sequence and biophysical properties (such as structural, functional, and spatial information, amino acid conservation, physicochemical variation, residue mobility, and thermodynamic stability) has been performed for this missense variant. However, the output from this modeling did not meet the statistical confidence thresholds required to predict the impact of this variant on PSEN1 protein function. Experimental studies have shown that this missense change affects PSEN1 function (PMID: 11710891, 27930341). For these reasons, this variant has been classified as Pathogenic.

Variantyx, Inc.
Classification: Pathogenic for Autosomal dominant PSEN1-related disorders. Last evaluated: 2025-12-25. Review status: criteria provided, single submitter. Criteria: Variantyx Assertion Criteria 2022. Collection method: clinical testing. Allele origin: germline. Inheritance: Autosomal dominant inheritance. Affected: yes.
Comment: This is a nonsynonymous variant in the PSEN1 gene (OMIM: 104311). Pathogenic variants in this gene have been associated with autosomal dominant PSEN1-related disorders. This is an established founder variant in the Hispanic population (PMID: 27073747, 11710891, 23114514) (PS4) that was reported in multiple affected individuals (PMID: 22312439, 25333068, 36133075). Functional studies have shown that this variant alters PSEN1 protein function (PMID: 12119298, 11710891) (PS3), multiple computational algorithms predict a deleterious effect for this variant (REVEL score: 0.921) (PP3), and an alternate amino acid change at this position (p.Gly206Asp) has been previously reported in affected individuals (PMID: 33188256, 21335660) (PM5). This variant has a 0.0417% maximum allele frequency in non-founder control populations. Based on the current evidence, this variant is classified as pathogenic for autosomal dominant PSEN1-related disorders.

Mayo Clinic Laboratories, Mayo Clinic
Classification: Pathogenic. Last evaluated: 2025-04-22. Review status: criteria provided, single submitter. Criteria: ACMG Guidelines, 2015. Collection method: clinical testing. Allele origin: germline. Observed: 4 variant alleles.
Comment: PP3_moderate, PM1, PS3, PS4

Athena Diagnostics
Classification: Pathogenic. Last evaluated: 2025-04-14. Review status: criteria provided, single submitter. Criteria: Athena Diagnostics Criteria. Collection method: clinical testing. Allele origin: unknown.
Comment: The frequency of this variant in the general population is consistent with pathogenicity. This variant is statistically more frequent in individuals affected with Alzheimer disease (AD) than in the general population and/or healthy controls (Genome Aggregation Database (gnomAD), Cambridge, MA (URL)). This is considered a founder variant among individuals of Caribbean Hispanic ancestry (PMID: 11710891, 23114514, 25333068, 27073747). At least one other missense variant at this codon is considered to be pathogenic or likely pathogenic. This variant occurs as the most likely explanation for disease in a significant number of internal cases. Assessment of experimental evidence suggests this variant results in abnormal protein function. (PMID: 11710891, 12119298, 27930341, 32032730)

Women's Health and Genetics/Laboratory Corporation of America, LabCorp
Classification: Pathogenic for Alzheimer disease 3. Last evaluated: 2023-07-26. Review status: criteria provided, single submitter. Criteria: LabCorp Variant Classification Summary - May 2015. Collection method: clinical testing. Allele origin: germline.
Comment: Variant summary: PSEN1 c.617G>C (p.Gly206Ala) results in a non-conservative amino acid change in the encoded protein sequence. Five of five in-silico tools predict a damaging effect of the variant on protein function. The variant allele was found at a frequency of 8e-06 in 251492 control chromosomes. c.617G>C has been reported in the literature in multiple individuals of Caribbean ancestry affected with Alzheimer Disease, Type 3 (Example: Athan_2001). These data indicate that the variant is very likely to be associated with disease. At least one publication reports experimental evidence evaluating an impact on protein function indicating an increase in amyloid-beta 42 peptide production (Athan_2001). Six submitters have cited clinical-significance assessments for this variant to ClinVar after 2014. The following publication have been ascertained in the context of this evaluation (PMID: 11710891). All submitters classified the variant as pathogenic. Based on the evidence outlined above, the variant was classified as pathogenic.

ARUP Laboratories, Molecular Genetics and Genomics, ARUP Laboratories
Classification: Pathogenic. Last evaluated: 2023-03-06. Review status: criteria provided, single submitter. Criteria: ARUP Molecular Germline Variant Investigation Process 2024. Collection method: clinical testing. Allele origin: germline.
Comment: The PSEN1 c.617G>C; p.Gly206Ala variant (rs63750082) is reported in the literature in several individuals and families affected with early-onset Alzherimer's disease, and is a founder in the Carribean Hispanic population (Athan 2001, Arnold 2013, Lee 2014, Ravenscroft 2016, see link to Alzforum database). This variant is reported in ClinVar (Variation ID: 18143), and is only observed on three alleles in the Genome Aggregation Database, indicating it is not a common polymorphism. The glycine at codon 206 is highly conserved, and computational analyses (SIFT, PolyPhen-2) predict that this variant is deleterious. Functional analyses of the variant protein show an impaired ability to properly cleave amyloid precursor protein, which can lead to increased amyloid plaque formation (Athan 2001, Sun 2017). Based on available information, this variant is considered to be pathogenic. References: Link to Alzforum database: Athan ES et al. A founder mutation in presenilin 1 causing early-onset Alzheimer disease in unrelated Caribbean Hispanic families. JAMA. 2001 Nov 14;286(18):2257-63. Arnold SE et al. Frequency and clinicopathological characteristics of presenilin 1 Gly206Ala mutation in Puerto Rican Hispanics with dementia. J Alzheimers Dis. 2013;33(4):1089-95. Lee JH et al. Disease-related mutations among Caribbean Hispanics with familial dementia. Mol Genet Genomic Med. 2014 Sep;2(5):430-7. Ravenscroft TA et al. The presenilin 1 p.Gly206Ala mutation is a frequent cause of early-onset Alzheimer's disease in Hispanics in Florida. Am J Neurodegener Dis. 2016 Mar 1;5(1):94-101. Sun L et al. Analysis of 138 pathogenic mutations in presenilin-1 on the in vitro production of Abeta42 and Abeta40 peptides by gamma-secretase. Proc Natl Acad Sci U S A. 2017 Jan 24;114(4):E476-E485.